The following is an entry in ClinVar:

ClinVar aggregate classification (germline): Uncertain significance. Review status: criteria provided, multiple submitters, no conflicts (2 of 4 stars). 2 submissions from 2 submitters: Uncertain significance (2). Last evaluated 2025-06-06.

Conditions:
PAX2-Related Disorder. Also called: PAX2-related disorders. Identifiers: MedGen CN381309.

Submissions (2):

PreventionGenetics, part of Exact Sciences
Classification: Uncertain significance for PAX2-related condition. Last evaluated: 2025-06-06. Review status: criteria provided, single submitter. Criteria: ACMG Guidelines, 2015. Collection method: clinical testing. Allele origin: germline.
Comment: The PAX2 c.1083G>A variant is predicted to result in the amino acid substitution p.Met361Ile. To our knowledge, this variant has not been reported in the literature or in a large population database (gnomAD), indicating this variant is rare. At this time, the clinical significance of this variant is uncertain due to the absence of conclusive functional and genetic evidence.

GeneDx
Classification: Uncertain significance. Last evaluated: 2024-10-06. Review status: criteria provided, single submitter. Criteria: GeneDx Variant Classification Process June 2021. Collection method: clinical testing. Allele origin: germline. Affected: yes.
Comment: Not observed at significant frequency in large population cohorts (gnomAD); In silico analysis supports that this missense variant has a deleterious effect on protein structure/function; Has not been previously published as pathogenic or benign to our knowledge

NM_000278.5(PAX2):c.1014G>A (p.Met338Ile)

Gene: PAX2 (paired box 2; plus strand). Cytogenetic location: 10q24.31.
Variant type: single nucleotide variant.
Coding change: c.1014G>A on transcript NM_000278.5 (MANE Select); coding-DNA position 1014, G replaced by A.
Protein change: p.Met338Ile; replaces methionine 338 with isoleucine.
Molecular consequence: missense variant.
Genome position (GRCh38, 1-based): chr10:100,824,742, G>A. VCF-style: chr10-100824742-G-A. GRCh37 (hg19) VCF-style: chr10-102584499-G-A.
Other names: c.1107G>A, p.Met369Ile (NM_001304569.2); c.1083G>A, p.Met361Ile (NM_003987.5, NM_003990.5); c.1014G>A, p.Met338Ile (NM_003988.5, NM_003989.5); c.1083G>A (NM_003990.4); short protein forms M338I, M361I, M369I.
Identifiers: ClinVar variation 3776725 (VCV003776725.2).
Genomic context (GRCh38, chr10:100,824,742, plus strand): 5'-CCCCCCTCACGTGCCCCCCACTGGCCAGGGAAGCTACCCCACCTCCACCCTGGCAGGAAT[G>A]GTGCCTGGTAGGTGACAATGCTGCAGCTGCCTAATCTAGGTGGGGGGAACTAAATTGTGG-3'
Protein context (NP_000269.3, residues 328-348): GSYPTSTLAG[Met338Ile]VPGSEFSGNP